The following is an entry in ClinVar:

ClinVar aggregate classification (germline): Uncertain significance (1 of 4 stars; one submission).

Allele frequency attached by ClinVar (database versions not stated): gnomAD 0.00001; TOPMed 0.00003.
gnomAD v4.1: 5 of 1,580,640 alleles (0.00032%); highest among the groups gnomAD compares: African/African-American, 0.0054%; no homozygotes.

Submission:

Labcorp Genetics (formerly Invitae), Labcorp
Classification: Uncertain significance. Last evaluated: 2024-10-05. Review status: criteria provided, single submitter. Criteria: Invitae Variant Classification Sherloc (09022015). Collection method: clinical testing. Allele origin: germline.
Comment: This sequence change falls in intron 1 of the ATP5E gene. It does not directly change the encoded amino acid sequence of the ATP5E protein. It affects a nucleotide within the consensus splice site. This variant is not present in population databases (gnomAD no frequency). This variant has not been reported in the literature in individuals affected with ATP5E-related conditions. ClinVar contains an entry for this variant (Variation ID: 1985190). Variants that disrupt the consensus splice site are a relatively common cause of aberrant splicing (PMID: 17576681, 9536098). Algorithms developed to predict the effect of sequence changes on RNA splicing suggest that this variant may disrupt the consensus splice site. In summary, the available evidence is currently insufficient to determine the role of this variant in disease. Therefore, it has been classified as a Variant of Uncertain Significance.

Literature cited by the submitters: PubMed 17576681; PubMed 9536098.

NM_006886.4(ATP5F1E):c.32+5G>T

Genes: ATP5F1E (ATP synthase F1 subunit epsilon; minus strand), SLMO2-ATP5E (SLMO2-ATP5E readthrough; minus strand), LOC130066277 (ATAC-STARR-seq lymphoblastoid active region 18187; plus strand). Cytogenetic location: 20q13.32.
Variant type: single nucleotide variant.
Coding change: c.32+5G>T on transcript NM_006886.4 (MANE Select); 5 bases into the intron after coding-DNA position 32, G replaced by T.
Molecular consequence: intron variant.
Genome position (GRCh38, 1-based): chr20:59,032,215, C>A on the plus strand (G>T on the coding strand, the complement: ATP5F1E is on the minus strand). VCF-style: chr20-59032215-C-A. GRCh37 (hg19) VCF-style: chr20-57607270-C-A.
Identifiers: ClinVar variation 1985190 (VCV001985190.4), dbSNP rs924704351, ClinGen allele CA316338410.